The following is an entry in ClinVar:

ClinVar aggregate classification (germline): Uncertain significance. Review status: criteria provided, single submitter (1 of 4 stars). 2 submissions from 2 submitters: Uncertain significance (1). 1 of the submissions does not count toward it. Last evaluated 2022-07-20.

Conditions:
Long chain 3-hydroxyacyl-CoA dehydrogenase deficiency. Also called: LCHAD Deficiency; Deficiency of long-chain 3-hydroxyacyl-coenzyme A dehydrogenase. Identifiers: Orphanet 5, MedGen C3711645, MONDO:0012173, OMIM 609016.
Mitochondrial trifunctional protein deficiency. Identifiers: Orphanet 746, MedGen C1969443, MONDO:0012172.

Allele frequency attached by ClinVar (database versions not stated): gnomAD exomes 0.00001 and 0.00003; ExAC 0.00005; TOPMed 0.00011; gnomAD 0.00012 and 0.00013; 1000 Genomes Project 30x 0.00016; 1000 Genomes Project 0.00020.
gnomAD v4.1: 32 of 1,613,942 alleles (0.002%); highest among the groups gnomAD compares: African/African-American, 0.04%; no homozygotes.

Submissions (2):

Labcorp Genetics (formerly Invitae), Labcorp
Classification: Uncertain significance for Mitochondrial trifunctional protein deficiency; Long chain 3-hydroxyacyl-CoA dehydrogenase deficiency. Last evaluated: 2022-07-20. Review status: criteria provided, single submitter. Criteria: Invitae Variant Classification Sherloc (09022015). Collection method: clinical testing. Allele origin: germline.
Comment: This sequence change replaces lysine, which is basic and polar, with arginine, which is basic and polar, at codon 406 of the HADHA protein (p.Lys406Arg). This variant is present in population databases (rs552191498, gnomAD 0.05%). This variant has not been reported in the literature in individuals affected with HADHA-related conditions. ClinVar contains an entry for this variant (Variation ID: 971900). Algorithms developed to predict the effect of missense changes on protein structure and function output the following: SIFT: "Tolerated"; PolyPhen-2: "Benign"; Align-GVGD: "Class C0". The arginine amino acid residue is found in multiple mammalian species, which suggests that this missense change does not adversely affect protein function. In summary, the available evidence is currently insufficient to determine the role of this variant in disease. Therefore, it has been classified as a Variant of Uncertain Significance.

Natera, Inc.
Classification: Uncertain significance for Deficiency of long-chain 3-hydroxyacyl-coenzyme A dehydrogenase. Last evaluated: 2020-03-25. Review status: no assertion criteria provided. Collection method: clinical testing. Allele origin: germline. Not counted in ClinVar's aggregate classification.

NM_000182.5(HADHA):c.1217A>G (p.Lys406Arg)

Genes: HADHA (hydroxyacyl-CoA dehydrogenase trifunctional multienzyme complex subunit alpha; minus strand), GAREM2 (GRB2 associated regulator of MAPK1 subtype 2; plus strand). Cytogenetic location: 2p23.3.
Variant type: single nucleotide variant.
Coding change: c.1217A>G on transcript NM_000182.5 (MANE Select); coding-DNA position 1217, A replaced by G.
Protein change: p.Lys406Arg; replaces lysine 406 with arginine.
Molecular consequence: missense variant.
Genome position (GRCh38, 1-based): chr2:26,204,065, T>C on the plus strand (A>G on the coding strand, the complement: HADHA is on the minus strand). VCF-style: chr2-26204065-T-C. GRCh37 (hg19) VCF-style: chr2-26426934-T-C.
Other names: short protein forms K406R.
Identifiers: ClinVar variation 971900 (VCV000971900.4), dbSNP rs552191498, ClinGen allele CA1559641.